The following is an entry in ClinVar:

ClinVar aggregate classification (germline): Uncertain significance (1 of 4 stars; one submission).

Submission:

Labcorp Genetics (formerly Invitae), Labcorp
Classification: Uncertain significance. Last evaluated: 2020-12-26. Review status: criteria provided, single submitter. Criteria: Invitae Variant Classification Sherloc (09022015). Collection method: clinical testing. Allele origin: germline.
Comment: In summary, the available evidence is currently insufficient to determine the role of this variant in disease. Therefore, it has been classified as a Variant of Uncertain Significance. Advanced modeling of protein sequence and biophysical properties (such as structural, functional, and spatial information, amino acid conservation, physicochemical variation, residue mobility, and thermodynamic stability) performed at Invitae indicates that this missense variant is not expected to disrupt COL7A1 protein function. This variant has not been reported in the literature in individuals with COL7A1-related conditions. This variant is not present in population databases (ExAC no frequency). This sequence change replaces lysine with methionine at codon 1443 of the COL7A1 protein (p.Lys1443Met). The lysine residue is weakly conserved and there is a moderate physicochemical difference between lysine and methionine.

NM_000094.4(COL7A1):c.4328A>T (p.Lys1443Met)

Gene: COL7A1 (collagen type VII alpha 1 chain; minus strand). Cytogenetic location: 3p21.31.
Variant type: single nucleotide variant.
Coding change: c.4328A>T on transcript NM_000094.4 (MANE Select); coding-DNA position 4328, A replaced by T.
Protein change: p.Lys1443Met; replaces lysine 1443 with methionine.
Molecular consequence: missense variant.
Genome position (GRCh38, 1-based): chr3:48,583,731, T>A on the plus strand (A>T on the coding strand, the complement: COL7A1 is on the minus strand). VCF-style: chr3-48583731-T-A. GRCh37 (hg19) VCF-style: chr3-48621164-T-A.
Other names: short protein forms K1443M.
Identifiers: ClinVar variation 1488033 (VCV001488033.8), dbSNP rs2107728341, ClinGen allele CA352693321.